The following is an entry in ClinVar:

Conditions:
Breast-ovarian cancer, familial, susceptibility to, 1 (BROVCA1). Also called: BRCA1 Hereditary Breast and Ovarian Cancer; OVARIAN CANCER, SUSCEPTIBILITY TO. Identifiers: Orphanet 145, MedGen C2676676, MONDO:0011450, OMIM 604370. Disease mechanism: loss of function.

Submission:

Brotman Baty Institute, University of Washington
No classification provided (evidence only). Condition: Breast-ovarian cancer, familial 1. Review status: no classification provided. Collection method: in vitro. Allele origin: not applicable. Functional consequence: functionally_normal.
ClinVar note: "not provided" was previously submitted as the classification for the variant. However, the classification appeared to be based only on an observation of functional data so it was converted to no classification on 2025-07-30.

NM_007294.4(BRCA1):c.5193+19A>T

Gene: BRCA1 (BRCA1 DNA repair associated; minus strand). Cytogenetic location: 17q21.31.
Variant type: single nucleotide variant.
Coding change: c.5193+19A>T on transcript NM_007294.4 (MANE Select); 19 bases into the intron after coding-DNA position 5193, A replaced by T.
Molecular consequence: intron variant.
Genome position (GRCh38, 1-based): chr17:43,063,314, T>A on the plus strand (A>T on the coding strand, the complement: BRCA1 is on the minus strand). VCF-style: chr17-43063314-T-A. GRCh37 (hg19) VCF-style: chr17-41215331-T-A.
Other names: c.1740+19A>T (NM_001408458.1, NM_001408461.1, NM_001408464.1 and 7 more transcripts); c.4302+19A>T (NM_001407967.1); c.4812+19A>T (NM_001407959.1); c.4926+19A>T (NM_001407931.1, NM_001407932.1, NM_001407928.1 and 4 more transcripts); c.5049+19A>T (NM_001407747.1, NM_001407745.1, NM_001407737.1 and 21 more transcripts); c.4809+19A>T (NM_001407962.1, NM_001407960.1); c.1380+19A>T (NM_001408512.1); c.1503+19A>T (NM_001408510.1); and 72 more.
Identifiers: ClinVar variation 867483 (VCV000867483.3), dbSNP rs1555578276, ClinGen allele CA916079997.